The following is an entry in ClinVar:

ClinVar aggregate classification (germline): Uncertain significance. Review status: criteria provided, multiple submitters, no conflicts (2 of 4 stars). 2 submissions from 2 submitters: Uncertain significance (2). Last evaluated 2024-06-11.

Conditions:
Marfan syndrome (MFS). Also called: MARFAN SYNDROME, TYPE I; Marfan syndrome type 1; Marfan's syndrome; Marfan syndrome, classic; FBN1-Related Marfan Syndrome. Identifiers: Orphanet 284963, Orphanet 558, MedGen C0024796, MONDO:0007947, OMIM 154700.
Familial thoracic aortic aneurysm and aortic dissection (TAAD). Also called: Thoracic aortic aneurysms and dissections. Identifiers: Orphanet 91387, MedGen C4707243, MONDO:0019625.

Allele frequency attached by ClinVar (database versions not stated): gnomAD exomes below 0.00001.
gnomAD v4.1: 1 of 1,614,216 alleles (0.000062%); highest among the groups gnomAD compares: Non-Finnish European, 0.000085%; no homozygotes.

Submissions (2):

All of Us Research Program, National Institutes of Health
Classification: Uncertain significance for Marfan syndrome. Last evaluated: 2024-06-11. Review status: criteria provided, single submitter. Criteria: ACMG Guidelines, 2015. Collection method: clinical testing. Allele origin: germline. Inheritance: Autosomal dominant inheritance. Observed: 1 variant allele, 1 heterozygote.
Comment: This study involves interpretation of variants in research participants for the purpose of population health screening. Participant phenotype was not available at the time of variant classification. Additional details can be found in publication PMID: 35346344, PMCID: PMC8962531

Labcorp Genetics (formerly Invitae), Labcorp
Classification: Uncertain significance for Marfan syndrome; Familial thoracic aortic aneurysm and aortic dissection. Last evaluated: 2023-07-07. Review status: criteria provided, single submitter. Criteria: Invitae Variant Classification Sherloc (09022015). Collection method: clinical testing. Allele origin: germline.
Comment: In summary, the available evidence is currently insufficient to determine the role of this variant in disease. Therefore, it has been classified as a Variant of Uncertain Significance. Advanced modeling of protein sequence and biophysical properties (such as structural, functional, and spatial information, amino acid conservation, physicochemical variation, residue mobility, and thermodynamic stability) has been performed at Invitae for this missense variant, however the output from this modeling did not meet the statistical confidence thresholds required to predict the impact of this variant on FBN1 protein function. This variant has not been reported in the literature in individuals affected with FBN1-related conditions. This variant is not present in population databases (gnomAD no frequency). This sequence change replaces phenylalanine, which is neutral and non-polar, with serine, which is neutral and polar, at codon 1211 of the FBN1 protein (p.Phe1211Ser).

NM_000138.5(FBN1):c.3632T>C (p.Phe1211Ser)

Gene: FBN1 (fibrillin 1; minus strand). Cytogenetic location: 15q21.1.
Variant type: single nucleotide variant.
Coding change: c.3632T>C on transcript NM_000138.5 (MANE Select); coding-DNA position 3632, T replaced by C.
Protein change: p.Phe1211Ser; replaces phenylalanine 1211 with serine.
Molecular consequence: missense variant.
Genome position (GRCh38, 1-based): chr15:48,485,454, A>G on the plus strand (T>C on the coding strand, the complement: FBN1 is on the minus strand). VCF-style: chr15-48485454-A-G. GRCh37 (hg19) VCF-style: chr15-48777651-A-G.
Other names: c.3632T>C, p.Phe1211Ser (NM_001406716.1); short protein forms F1211S.
Identifiers: ClinVar variation 2927116 (VCV002927116.4), dbSNP rs2505545043, ClinGen allele CA392324562.
Genomic context (GRCh38, chr15:48,485,454, plus strand): 5'-GGCATTAGTGCAAATCCCGGCTGACAGCTACATTCATAGCTGCCTTCAGAGTTTGTGCAG[A>G]AGGTTTCACAACCACCATTCATTATGCTGCATTCATCAATGTCTAAAAGAAATGAAAATA-3'
Protein context (NP_000129.3, residues 1201-1221): CSIMNGGCET[Phe1211Ser]CTNSEGSYEC